The following is an entry in ClinVar:

ClinVar aggregate classification (germline): Benign/Likely benign. Review status: criteria provided, multiple submitters, no conflicts (2 of 4 stars). 7 submissions from 7 submitters: Benign (3); Likely benign (2). 2 of the submissions do not count toward it. Last evaluated 2026-01-31.

Conditions:
SLC12A3-related disorder. Also called: SLC12A3-related condition.
Inborn genetic diseases. Identifiers: MedGen C0950123, MeSH D030342.
Familial hypokalemia-hypomagnesemia (GTLMNS). Also called: HYPOMAGNESEMIA-HYPOKALEMIA, PRIMARY RENOTUBULAR, WITH HYPOCALCIURIA; POTASSIUM AND MAGNESIUM DEPLETION; gitelman syndrome. Identifiers: Orphanet 358, MedGen C0268450, MONDO:0009904, OMIM 263800.

Allele frequency attached by ClinVar (database versions not stated): gnomAD exomes 0.00023 and 0.00045; ExAC 0.00050; gnomAD 0.00141 and 0.00146; ESP Exome Variant Server 0.00154; TOPMed 0.00165; 1000 Genomes Project 0.00200; 1000 Genomes Project 30x 0.00219.
gnomAD v4.1: 563 of 1,611,766 alleles (0.035%); highest among the groups gnomAD compares: African/African-American, 0.48%; 2 homozygotes.

Submissions (7):

Labcorp Genetics (formerly Invitae), Labcorp
Classification: Benign. Last evaluated: 2026-01-31. Review status: criteria provided, single submitter. Criteria: Invitae Variant Classification Sherloc (09022015). Collection method: clinical testing. Allele origin: germline.

Ambry Genetics
Classification: Likely benign for Inborn genetic diseases. Last evaluated: 2024-12-25. Review status: criteria provided, single submitter. Criteria: Ambry Variant Classification Scheme 2023. Collection method: clinical testing. Allele origin: germline.

Blueprint Genetics
Classification: Likely benign. Last evaluated: 2024-11-25. Review status: criteria provided, single submitter. Criteria: ACMG Guidelines, 2015. Collection method: clinical testing. Allele origin: germline.

Genome-Nilou Lab
Classification: Benign for Familial hypokalemia-hypomagnesemia. Last evaluated: 2021-07-15. Review status: criteria provided, single submitter. Criteria: ACMG Guidelines, 2015. Collection method: clinical testing. Allele origin: germline. Affected: no.

Athena Diagnostics
Classification: Benign. Last evaluated: 2020-01-10. Review status: criteria provided, single submitter. Criteria: Athena Diagnostics Criteria. Collection method: clinical testing. Allele origin: unknown.

Natera, Inc.
Classification: Likely benign for Gitelman syndrome. Last evaluated: 2019-12-14. Review status: no assertion criteria provided. Collection method: clinical testing. Allele origin: germline. Not counted in ClinVar's aggregate classification.

PreventionGenetics, part of Exact Sciences
Classification: Likely benign for SLC12A3-related condition. Last evaluated: 2019-03-06. Review status: no assertion criteria provided. Collection method: clinical testing. Allele origin: germline. Not counted in ClinVar's aggregate classification.
Comment: This variant is classified as likely benign based on ACMG/AMP sequence variant interpretation guidelines (Richards et al. 2015 PMID: 25741868, with internal and published modifications).

NM_001126108.2(SLC12A3):c.2190C>T (p.Leu730=)

Gene: SLC12A3 (solute carrier family 12 member 3; plus strand). Cytogenetic location: 16q13.
Variant type: single nucleotide variant.
Coding change: c.2190C>T on transcript NM_001126108.2 (MANE Select); coding-DNA position 2190, C replaced by T.
Protein change: p.Leu730=; no amino-acid change (leucine 730 retained).
Molecular consequence: synonymous variant.
Genome position (GRCh38, 1-based): chr16:56,887,936, C>T. VCF-style: chr16-56887936-C-T. GRCh37 (hg19) VCF-style: chr16-56921848-C-T.
Other names: c.2190C>T, p.Leu730= (NM_000339.3); c.2187C>T, p.Leu729= (NM_001126107.2).
Identifiers: ClinVar variation 791335 (VCV000791335.19), dbSNP rs150692587, ClinGen allele CA8069790.
Genomic context (GRCh38, chr16:56,887,936, plus strand): 5'-AACTCTGCCCCTCTGATGGGTTCCCCATCTCACCCCTATCCCCTGGCAGGCCGCAGGTCT[C>T]GGGAGAATGAAGCCCAACATTCTGGTGGTTGGGTTCAAGAAGAACTGGCAGTCGGCTCAC-3'
Protein context (NP_001119580.2, residues 720-740): GVQILMQAAG[Leu730=]GRMKPNILVV